The following is an entry in ClinVar:

ClinVar aggregate classification (germline): Uncertain significance (1 of 4 stars; one submission).

Conditions:
Benign neonatal seizures. Also called: Benign neonatal familial convulsions; Benign familial neonatal epilepsy; Benign familial neonatal seizures; Convulsions benign familial neonatal dominant form; Autosomal dominant form of benign neonatal seizures. Identifiers: Orphanet 1949, MedGen C0220669, MONDO:0016027.

gnomAD v4.1: 6 of 1,614,210 alleles (0.00037%); highest among the groups gnomAD compares: Non-Finnish European, 0.00042%; no homozygotes.

Submission:

Labcorp Genetics (formerly Invitae), Labcorp
Classification: Uncertain significance for Benign neonatal seizures. Last evaluated: 2022-10-02. Review status: criteria provided, single submitter. Criteria: Invitae Variant Classification Sherloc (09022015). Collection method: clinical testing. Allele origin: germline.
Comment: In summary, the available evidence is currently insufficient to determine the role of this variant in disease. Therefore, it has been classified as a Variant of Uncertain Significance. Advanced modeling of protein sequence and biophysical properties (such as structural, functional, and spatial information, amino acid conservation, physicochemical variation, residue mobility, and thermodynamic stability) performed at Invitae indicates that this missense variant is not expected to disrupt KCNQ3 protein function. ClinVar contains an entry for this variant (Variation ID: 1409532). This variant has not been reported in the literature in individuals affected with KCNQ3-related conditions. This variant is present in population databases (rs751186425, gnomAD 0.0009%). This sequence change replaces phenylalanine, which is neutral and non-polar, with cysteine, which is neutral and slightly polar, at codon 845 of the KCNQ3 protein (p.Phe845Cys).

NM_004519.4(KCNQ3):c.2534T>G (p.Phe845Cys)

Gene: KCNQ3 (potassium voltage-gated channel subfamily Q member 3; minus strand). Cytogenetic location: 8q24.22.
Variant type: single nucleotide variant.
Coding change: c.2534T>G on transcript NM_004519.4 (MANE Select); coding-DNA position 2534, T replaced by G.
Protein change: p.Phe845Cys; replaces phenylalanine 845 with cysteine.
Molecular consequence: missense variant.
Genome position (GRCh38, 1-based): chr8:132,129,347, A>C on the plus strand (T>G on the coding strand, the complement: KCNQ3 is on the minus strand). VCF-style: chr8-132129347-A-C. GRCh37 (hg19) VCF-style: chr8-133141594-A-C.
Other names: c.2174T>G, p.Phe725Cys (NM_001204824.2); short protein forms F725C, F845C.
Identifiers: ClinVar variation 1409532 (VCV001409532.8), dbSNP rs751186425, ClinGen allele CA4880421.
Genomic context (GRCh38, chr8:132,129,347, plus strand): 5'-CATACTGAATCAGAAATCCCATCCCCTGTGGACGACAGAGGCATGGAGCCGCTGGGCGTG[A>C]AGGGGTCCGTGTCTGTGTCCGTCTCACCCTCGGCGAGGTACCGCTTCTCCCTCATCCAGC-3'
Protein context (NP_004510.1, residues 835-855): EGETDTDTDP[Phe845Cys]TPSGSMPLSS